The following is an entry in ClinVar:

ClinVar aggregate classification (germline): Uncertain significance (1 of 4 stars; one submission).

Submission:

CeGaT Center for Human Genetics Tuebingen
Classification: Uncertain significance. Last evaluated: 2025-02-01. Review status: criteria provided, single submitter. Criteria: CeGaT Center For Human Genetics Tuebingen Variant Classification Criteria Version 2. Collection method: clinical testing. Allele origin: germline. Affected: yes. Observed: 1 variant allele.
Comment: VWF: PM2, BP4

NM_000552.5(VWF):c.1442G>A (p.Arg481His)

Gene: VWF (von Willebrand factor; minus strand). Cytogenetic location: 12p13.31.
Variant type: single nucleotide variant.
Coding change: c.1442G>A on transcript NM_000552.5 (MANE Select); coding-DNA position 1442, G replaced by A.
Protein change: p.Arg481His; replaces arginine 481 with histidine.
Molecular consequence: missense variant.
Genome position (GRCh38, 1-based): chr12:6,063,045, C>T on the plus strand (G>A on the coding strand, the complement: VWF is on the minus strand). VCF-style: chr12-6063045-C-T. GRCh37 (hg19) VCF-style: chr12-6172211-C-T.
Other names: short protein forms R481H.
Identifiers: ClinVar variation 3771713 (VCV003771713.13).
Genomic context (GRCh38, chr12:6,063,045, plus strand): 5'-TCCATCTGCAGGTCCTCCCCGTAGCTGAGGCGCACGGAGGCCGTCACTGTATGCTGGATG[C>T]GGAGGTCACCTGGAACCCAGCAGGACAGGACTCAGGCAGAGGTGGGGAGAGGACAGGGTG-3'
Protein context (NP_000543.3, residues 471-491): VQLPLLKGDL[Arg481His]IQHTVTASVR